The following is an entry in ClinVar:

ClinVar aggregate classification (germline): Conflicting classifications of pathogenicity. Review status: criteria provided, conflicting classifications (1 of 4 stars). 2 submissions from 2 submitters: Uncertain significance (1); Likely benign (1). Last evaluated 2025-02-01.

Allele frequency attached by ClinVar (database versions not stated): TOPMed 0.00029; ESP Exome Variant Server 0.00054; 1000 Genomes Project 0.00060; ExAC 0.00035; gnomAD 0.00037; 1000 Genomes Project 30x 0.00047; gnomAD exomes 0.00052.
gnomAD v4.1: 845 of 1,614,036 alleles (0.052%); highest among the groups gnomAD compares: Non-Finnish European, 0.063%; 2 homozygotes.

Submissions (2):

CeGaT Center for Human Genetics Tuebingen
Classification: Likely benign. Last evaluated: 2025-02-01. Review status: criteria provided, single submitter. Criteria: CeGaT Center For Human Genetics Tuebingen Variant Classification Criteria Version 2. Collection method: clinical testing. Allele origin: germline. Affected: yes. Observed: 1 variant allele.
Comment: TACC2: BP4, BS2

Ambry Genetics
Classification: Uncertain significance. Last evaluated: 2021-07-14. Review status: criteria provided, single submitter. Criteria: Ambry Variant Classification Scheme 2023. Collection method: clinical testing. Allele origin: germline.

NM_206862.4(TACC2):c.2842C>T (p.Arg948Trp)

Gene: TACC2 (transforming acidic coiled-coil containing protein 2; plus strand). Cytogenetic location: 10q26.13.
Variant type: single nucleotide variant.
Coding change: c.2842C>T on transcript NM_206862.4 (MANE Select); coding-DNA position 2842, C replaced by T.
Protein change: p.Arg948Trp; replaces arginine 948 with tryptophan.
Molecular consequence: missense variant. On other transcripts: intron variant (1).
Genome position (GRCh38, 1-based): chr10:122,085,342, C>T. VCF-style: chr10-122085342-C-T. GRCh37 (hg19) VCF-style: chr10-123844857-C-T.
Other names: c.2842C>T, p.Arg948Trp (NM_001291876.2, NM_001291877.2); c.146+34792C>T (NM_206861.3); short protein forms R948W.
Identifiers: ClinVar variation 2352774 (VCV002352774.15), dbSNP rs142194146, ClinGen allele CA5722815.
Genomic context (GRCh38, chr10:122,085,342, plus strand): 5'-ACAGAAGAGTCAGAATTGTCAGCACCAACGAGACAGAAGTTGCCTGCACTAGGGGAGAAG[C>T]GGCCAGAGGGAGCATGCGGTGATGGTCAGTCCTCGAGGGTCTCGCCTCCAGCAGCAGATG-3'
Protein context (NP_996744.4, residues 938-958): RQKLPALGEK[Arg948Trp]PEGACGDGQS